The following is an entry in ClinVar:

ClinVar aggregate classification (germline): Likely benign (1 of 4 stars; one submission).

Allele frequency attached by ClinVar (database versions not stated): TOPMed 0.00014; gnomAD 0.00019; gnomAD exomes 0.00021; ExAC 0.00033; 1000 Genomes Project 30x 0.00047; 1000 Genomes Project 0.00060.
gnomAD v4.1: 339 of 1,612,280 alleles (0.021%); highest among the groups gnomAD compares: South Asian, 0.14%; 2 homozygotes.

Submission:

CeGaT Center for Human Genetics Tuebingen
Classification: Likely benign. Last evaluated: 2022-09-01. Review status: criteria provided, single submitter. Criteria: CeGaT Center For Human Genetics Tuebingen Variant Classification Criteria Version 2. Collection method: clinical testing. Allele origin: germline. Affected: yes. Observed: 1 variant allele.
Comment: TJP1: BP4, BP7

NM_001330239.4(TJP1):c.2712A>C (p.Pro904=)

Gene: TJP1 (tight junction protein 1; minus strand). Cytogenetic location: 15q13.1.
Variant type: single nucleotide variant.
Coding change: c.2712A>C on transcript NM_001330239.4 (MANE Select); coding-DNA position 2712, A replaced by C.
Protein change: p.Pro904=; no amino-acid change (proline 904 retained).
Molecular consequence: synonymous variant.
Genome position (GRCh38, 1-based): chr15:29,720,409, T>G on the plus strand (A>C on the coding strand, the complement: TJP1 is on the minus strand). VCF-style: chr15-29720409-T-G. GRCh37 (hg19) VCF-style: chr15-30012613-T-G.
Other names: c.2991A>C, p.Pro997= (NM_001301025.3, NM_001355012.2); c.2724A>C, p.Pro908= (NM_001301026.2, NM_001355013.1); c.2712A>C, p.Pro904= (NM_001355014.2, NM_001355015.2, NM_003257.5 and 1 more transcripts).
Identifiers: ClinVar variation 2645097 (VCV002645097.24), dbSNP rs202084418, ClinGen allele CA7446960.